The following is an entry in ClinVar:

ClinVar aggregate classification (germline): Uncertain significance (1 of 4 stars; one submission).

Submission:

Ambry Genetics
Classification: Uncertain significance. Last evaluated: 2025-03-27. Review status: criteria provided, single submitter. Criteria: Ambry Variant Classification Scheme 2023. Collection method: clinical testing. Allele origin: germline.
Comment: The p.D734E variant (also known as c.2202C>G), located in coding exon 13 of the GEN1 gene, results from a C to G substitution at nucleotide position 2202. The aspartic acid at codon 734 is replaced by glutamic acid, an amino acid with highly similar properties. This amino acid position is conserved. In addition, this alteration is predicted to be tolerated by in silico analysis. Based on the available evidence, the clinical significance of this variant remains unclear.

NM_001130009.3(GEN1):c.2202C>G (p.Asp734Glu)

Gene: GEN1 (GEN1 Holliday junction 5' flap endonuclease; plus strand). Cytogenetic location: 2p24.2.
Variant type: single nucleotide variant.
Coding change: c.2202C>G on transcript NM_001130009.3 (MANE Select); coding-DNA position 2202, C replaced by G.
Protein change: p.Asp734Glu; replaces aspartic acid 734 with glutamic acid.
Molecular consequence: missense variant.
Genome position (GRCh38, 1-based): chr2:17,781,414, C>G. VCF-style: chr2-17781414-C-G. GRCh37 (hg19) VCF-style: chr2-17962681-C-G.
Other names: c.2202C>G, p.Asp734Glu (NM_182625.5); short protein forms D734E.
Identifiers: ClinVar variation 4029167 (VCV004029167.1).